The following is an entry in ClinVar:

NM_006950.3(SYN1):c.1490G>A (p.Gly497Glu)

Gene: SYN1 (synapsin I; minus strand). Cytogenetic location: Xp11.3.
Variant type: single nucleotide variant.
Coding change: c.1490G>A on transcript NM_006950.3 (MANE Select); coding-DNA position 1490, G replaced by A.
Protein change: p.Gly497Glu; replaces glycine 497 with glutamic acid.
Molecular consequence: missense variant.
Genome position (GRCh38, 1-based): chrX:47,574,494, C>T on the plus strand (G>A on the coding strand, the complement: SYN1 is on the minus strand). VCF-style: chrX-47574494-C-T. GRCh37 (hg19) VCF-style: chrX-47433893-C-T.
Other names: c.1490G>A, p.Gly497Glu (NM_133499.2); short protein forms G497E.
Identifiers: ClinVar variation 1348814 (VCV001348814.6), dbSNP rs2147912324, ClinGen allele CA412823658.

ClinVar aggregate classification (germline): Uncertain significance (1 of 4 stars; one submission).

Conditions:
Epilepsy, X-linked 1, with variable learning disabilities and behavior disorders. Also called: X-linked epilepsy-learning disabilities-behavior disorders syndrome. Identifiers: Orphanet 85294, MedGen C5774177, MONDO:0010339, OMIM 300491.

Submission:

Labcorp Genetics (formerly Invitae), Labcorp
Classification: Uncertain significance for Epilepsy, X-linked 1, with variable learning disabilities and behavior disorders. Last evaluated: 2022-07-12. Review status: criteria provided, single submitter. Criteria: Invitae Variant Classification Sherloc (09022015). Collection method: clinical testing. Allele origin: germline.
Comment: ClinVar contains an entry for this variant (Variation ID: 1348814). In summary, the available evidence is currently insufficient to determine the role of this variant in disease. Therefore, it has been classified as a Variant of Uncertain Significance. Algorithms developed to predict the effect of missense changes on protein structure and function are either unavailable or do not agree on the potential impact of this missense change (SIFT: "Deleterious"; PolyPhen-2: "Not Available"; Align-GVGD: "Class C0"). This variant has not been reported in the literature in individuals affected with SYN1-related conditions. This variant is not present in population databases (gnomAD no frequency). This sequence change replaces glycine, which is neutral and non-polar, with glutamic acid, which is acidic and polar, at codon 497 of the SYN1 protein (p.Gly497Glu).